The following is an entry in ClinVar:

NM_018671.5(UNC45A):c.1027+1G>A

Gene: UNC45A (unc-45 myosin chaperone A; plus strand). Cytogenetic location: 15q26.1.
Variant type: single nucleotide variant.
Coding change: c.1027+1G>A on transcript NM_018671.5 (MANE Select); the canonical splice donor site of the intron after coding-DNA position 1027, G replaced by A.
Molecular consequence: splice donor variant.
Genome position (GRCh38, 1-based): chr15:90,943,083, G>A. VCF-style: chr15-90943083-G-A. GRCh37 (hg19) VCF-style: chr15-91486313-G-A.
Other names: c.982+1G>A (NM_001039675.2, NM_001323621.2); c.1027+1G>A (NM_001323619.1); c.592+1G>A (NM_001323620.2).
Identifiers: ClinVar variation 4850466 (VCV004850466.1).

ClinVar aggregate classification (germline): Likely pathogenic (1 of 4 stars; one submission).

Conditions:
Osteootohepatoenteric syndrome. Identifiers: MedGen C5543557, MONDO:0859164, OMIM 619377.

Submission:

First Genomix Gene Laboratory, Genetic Diagnostics Department
Classification: Likely pathogenic for Osteootohepatoenteric syndrome. Last evaluated: 2025-09-26. Review status: criteria provided, single submitter. Criteria: ACMG Guidelines, 2015. Collection method: clinical testing. Allele origin: germline. Inheritance: Autosomal recessive inheritance. Affected: no. Observed: 1 variant allele.